The following is an entry in ClinVar:

ClinVar aggregate classification (germline): Conflicting classifications of pathogenicity. Review status: criteria provided, conflicting classifications (1 of 4 stars). 4 submissions from 4 submitters: Uncertain significance (1); Likely benign (1). 2 of the submissions do not count toward it. Last evaluated 2026-01-26.

Conditions:
Methylmalonic aciduria, cblB type (MACB). Also called: METHYLMALONIC ACIDURIA, VITAMIN B12-RESPONSIVE, DUE TO DEFECT IN SYNTHESIS OF ADENOSYLCOBALAMIN, cblB TYPE; Methylmalonic acidemia cblB type; Vitamin B12-responsive methylmalonic acidemia type cblB. Identifiers: Orphanet 28, Orphanet 79311, MedGen C1855102, MONDO:0009614, OMIM 251110.
Inborn genetic diseases. Identifiers: MedGen C0950123, MeSH D030342.

Allele frequency attached by ClinVar (database versions not stated): TOPMed 0.00004; gnomAD 0.00005 and 0.00008; ESP Exome Variant Server 0.00008; gnomAD exomes 0.00014 and 0.00019; ExAC 0.00017; 1000 Genomes Project 30x 0.00031.
gnomAD v4.1: 211 of 1,612,956 alleles (0.013%); highest among the groups gnomAD compares: South Asian, 0.1%; 2 homozygotes.

Submissions (4):

Labcorp Genetics (formerly Invitae), Labcorp
Classification: Likely benign for Methylmalonic aciduria, cblB type. Last evaluated: 2026-01-26. Review status: criteria provided, single submitter. Criteria: Invitae Variant Classification Sherloc (09022015). Collection method: clinical testing. Allele origin: germline.

Ambry Genetics
Classification: Uncertain significance for Inborn genetic diseases. Last evaluated: 2025-05-13. Review status: criteria provided, single submitter. Criteria: Ambry Variant Classification Scheme 2023. Collection method: clinical testing. Allele origin: germline.

Natera, Inc.
Classification: Uncertain significance for Methylmalonic aciduria cblB type. Last evaluated: 2020-08-19. Review status: no assertion criteria provided. Collection method: clinical testing. Allele origin: germline. Not counted in ClinVar's aggregate classification.

Department of Pathology and Laboratory Medicine, Sinai Health System
Classification: Uncertain significance. Review status: no assertion criteria provided. Collection method: clinical testing. Allele origin: unknown. Affected: yes. Study: The Canadian Open Genetics Repository (COGR). Not counted in ClinVar's aggregate classification.
Comment: The MMAB p.Thr222Met variant was not identified in the literature nor was it identified in ClinVar or LOVD 3.0. The variant was identified in dbSNP (ID: rs142070439) and in control databases in 49 of 282836 chromosomes (1 homozygous) at a frequency of 0.0001732 (Genome Aggregation Database March 6, 2019, v2.1.1). The variant was observed in the following populations: South Asian in 36 of 30616 chromosomes (freq: 0.001176), Other in 1 of 7226 chromosomes (freq: 0.000138), European (non-Finnish) in 11 of 129160 chromosomes (freq: 0.000085) and European (Finnish) in 1 of 25104 chromosomes (freq: 0.00004), but was not observed in the African, Latino, Ashkenazi Jewish, or East Asian populations. Although the p.Thr222 residue is not conserved in mammals and other organisms, computational analyses (PolyPhen-2, SIFT, AlignGVGD, BLOSUM, MutationTaster) suggest that the variant may impact the protein. The variant occurs outside of the splicing consensus sequence and three of four in silico or computational prediction software programs (SpliceSiteFinder, MaxEntScan, NNSPLICE, GeneSplicer) do not predict a greater than 10% difference in splicing; this is not very predictive of pathogenicity. In summary, based on the above information the clinical significance of this variant cannot be determined with certainty at this time. This variant is classified as a variant of uncertain significance.

NM_052845.4(MMAB):c.665C>T (p.Thr222Met)

Gene: MMAB (metabolism of cobalamin associated B; minus strand). Cytogenetic location: 12q24.11.
Variant type: single nucleotide variant.
Coding change: c.665C>T on transcript NM_052845.4 (MANE Select); coding-DNA position 665, C replaced by T.
Protein change: p.Thr222Met; replaces threonine 222 with methionine.
Molecular consequence: missense variant. On other transcripts: non-coding transcript variant (1).
Genome position (GRCh38, 1-based): chr12:109,557,116, G>A on the plus strand (C>T on the coding strand, the complement: MMAB is on the minus strand). VCF-style: chr12-109557116-G-A. GRCh37 (hg19) VCF-style: chr12-109994921-G-A.
Other names: c.665C>T (NM_052845.3); short protein forms T222M.
Identifiers: ClinVar variation 991628 (VCV000991628.12), dbSNP rs142070439, ClinGen allele CA6778765.